The following is an entry in ClinVar:

ClinVar aggregate classification (germline): Conflicting classifications of pathogenicity. Review status: criteria provided, conflicting classifications (1 of 4 stars). 4 submissions from 4 submitters: Likely pathogenic (1); Uncertain significance (3). Last evaluated 2024-04-14.

Conditions:
Hereditary cancer-predisposing syndrome. Also called: Neoplastic Syndromes, Hereditary; Tumor predisposition; Hereditary Cancer Syndrome; Hereditary neoplastic syndrome. Identifiers: Orphanet 140162, MedGen C0027672, MeSH D009386, MONDO:0015356.
Nijmegen breakage syndrome-like disorder (NBSLD). Also called: MICROCEPHALY AND SPONTANEOUS CHROMOSOME INSTABILITY WITHOUT IMMUNODEFICIENCY; NBS-LIKE DISORDER; RAD50 DEFICIENCY. Identifiers: Orphanet 240760, MedGen C2751318, MONDO:0013118, OMIM 613078.

Allele frequency attached by ClinVar (database versions not stated): gnomAD exomes below 0.00001; TOPMed 0.00002.

Submissions (4):

Labcorp Genetics (formerly Invitae), Labcorp
Classification: Likely pathogenic for Hereditary cancer-predisposing syndrome. Last evaluated: 2024-04-14. Review status: criteria provided, single submitter. Criteria: Invitae Variant Classification Sherloc (09022015). Collection method: clinical testing. Allele origin: germline.
Comment: This sequence change creates a premature translational stop signal (p.His1269Argfs*2) in the RAD50 gene. While this is not anticipated to result in nonsense mediated decay, it is expected to disrupt the last 44 amino acid(s) of the RAD50 protein. This variant is present in population databases (no rsID available, gnomAD 0.006%). This premature translational stop signal has been observed in individual(s) with breast or ovarian cancer (PMID: 28541631, 29726012). ClinVar contains an entry for this variant (Variation ID: 225451). Algorithms developed to predict the effect of sequence changes on RNA splicing suggest that this variant may disrupt the consensus splice site. This variant disrupts the ATPase-C domain, which is important for RAD50 ATPase activity (PMID: 10892749, 24894818). While functional studies have not been performed to directly test the effect of this variant on RAD50 protein function, this suggests that disruption of this region of the protein is causative of disease. In summary, the currently available evidence indicates that the variant is pathogenic, but additional data are needed to prove that conclusively. Therefore, this variant has been classified as Likely Pathogenic.

Ambry Genetics
Classification: Uncertain significance for Hereditary cancer-predisposing syndrome. Last evaluated: 2020-01-17. Review status: criteria provided, single submitter. Criteria: Ambry Variant Classification Scheme 2023. Collection method: clinical testing. Allele origin: germline.
Comment: The c.3806_3807delAT variant, located in coding exon 25 of the RAD50 gene, results from a deletion of two nucleotides at nucleotide positions 3806 to 3807, causing a translational frameshift with a predicted alternate stop codon (p.H1269Rfs*2). Frameshifts are typically deleterious in nature, however, this frameshift occurs at the 3' terminus of RAD50, is not expected to trigger nonsense-mediated mRNA decay, and impacts only the last 44 amino acids of the protein. The exact functional impact of these altered amino acids is unknown at this time. Since supporting evidence is limited at this time, the clinical significance of this alteration remains unclear.

Soonchunhyang University Bucheon Hospital, Soonchunhyang University Medical Center
Classification: Uncertain significance for Nijmegen breakage syndrome-like disorder. Last evaluated: 2016-03-18. Review status: criteria provided, single submitter. Criteria: ACMG Guidelines, 2015. Collection method: reference population. Allele origin: germline. Observed: 1 variant allele.

Juno Genomics, Hangzhou Juno Genomics, Inc
Classification: Uncertain significance for Nijmegen breakage syndrome-like disorder. Review status: criteria provided, single submitter. Criteria: ACMG Guidelines, 2015. Collection method: clinical testing. Allele origin: germline.
Comment: Null variant in a gene where loss of function (LOF) is a known mechanism of disease.;Absent from controls (or at extremely low frequency if recessive) in Genome Aggregation Database.

Literature cited by the submitters: PubMed 28541631 (cited by Labcorp Genetics (formerly Invitae), Labcorp and Ambry Genetics); PubMed 29726012 (cited by Labcorp Genetics (formerly Invitae), Labcorp); PubMed 10892749 (cited by Labcorp Genetics (formerly Invitae), Labcorp); PubMed 24894818 (cited by Labcorp Genetics (formerly Invitae), Labcorp); PubMed 19409520 (cited by Ambry Genetics and Soonchunhyang University Bucheon Hospital, Soonchunhyang University Medical Center).

NM_005732.4(RAD50):c.3806_3807del (p.His1269fs)

Genes: RAD50 (RAD50 double strand break repair protein; plus strand), TH2LCRR (T helper type 2 locus control region associated RNA; minus strand). Cytogenetic location: 5q31.1.
Variant type: Deletion.
Coding change: c.3806_3807del on transcript NM_005732.4 (MANE Select); coding-DNA positions 3806 to 3807, 2 bases deleted (AT; older notation c.3806_3807delAT).
Protein change: p.His1269fs; shifts the reading frame from histidine 1269.
Molecular consequence: frameshift variant. On other transcripts: non-coding transcript variant (1).
Genome position (GRCh38, 1-based): chr5:132,642,231-132,642,232, AT deleted. VCF-style (leftmost placement, unchanged base first): chr5-132642230-CAT-C. GRCh37 (hg19) VCF-style: chr5-131977922-CAT-C.
Other names: c.3806_3807del (NM_005732.3); short protein forms H1269fs.
Identifiers: ClinVar variation 225451 (VCV000225451.16), dbSNP rs1085307088, ClinGen allele CA562770454.